The following is an entry in ClinVar:

ClinVar aggregate classification (germline): Uncertain significance. Review status: criteria provided, multiple submitters, no conflicts (2 of 4 stars). 2 submissions from 2 submitters: Uncertain significance (2). Last evaluated 2025-12-10.

Conditions:
Inborn genetic diseases. Identifiers: MedGen C0950123, MeSH D030342.
Familial cold autoinflammatory syndrome 3 (FCAS3). Also called: FAMILIAL ATYPICAL COLD URTICARIA; ANTIBODY DEFICIENCY AND IMMUNE DYSREGULATION, PLCG2-ASSOCIATED. Identifiers: Orphanet 300359, MedGen C3280914, MONDO:0013766, OMIM 614468.

Allele frequency attached by ClinVar (database versions not stated): ExAC 0.00002; gnomAD 0.00002; gnomAD exomes 0.00002; TOPMed 0.00003; ESP Exome Variant Server 0.00008.
gnomAD v4.1: 35 of 1,612,200 alleles (0.0022%); highest among the groups gnomAD compares: Non-Finnish European, 0.0027%; no homozygotes.

Submissions (2):

Ambry Genetics
Classification: Uncertain significance for Inborn genetic diseases. Last evaluated: 2025-12-10. Review status: criteria provided, single submitter. Criteria: Ambry Variant Classification Scheme 2023. Collection method: clinical testing. Allele origin: germline.

Labcorp Genetics (formerly Invitae), Labcorp
Classification: Uncertain significance for Familial cold autoinflammatory syndrome 3. Last evaluated: 2024-12-08. Review status: criteria provided, single submitter. Criteria: Invitae Variant Classification Sherloc (09022015). Collection method: clinical testing. Allele origin: germline.
Comment: This sequence change replaces phenylalanine, which is neutral and non-polar, with leucine, which is neutral and non-polar, at codon 832 of the PLCG2 protein (p.Phe832Leu). This variant is present in population databases (rs368530152, gnomAD 0.006%). This variant has not been reported in the literature in individuals affected with PLCG2-related conditions. ClinVar contains an entry for this variant (Variation ID: 845657). An algorithm developed to predict the effect of missense changes on protein structure and function (PolyPhen-2) suggests that this variant is likely to be tolerated. In summary, the available evidence is currently insufficient to determine the role of this variant in disease. Therefore, it has been classified as a Variant of Uncertain Significance.

NM_002661.5(PLCG2):c.2494T>C (p.Phe832Leu)

Gene: PLCG2 (phospholipase C gamma 2; plus strand). Cytogenetic location: 16q23.3.
Variant type: single nucleotide variant.
Coding change: c.2494T>C on transcript NM_002661.5 (MANE Select); coding-DNA position 2494, T replaced by C.
Protein change: p.Phe832Leu; replaces phenylalanine 832 with leucine.
Molecular consequence: missense variant.
Genome position (GRCh38, 1-based): chr16:81,927,158, T>C. VCF-style: chr16-81927158-T-C. GRCh37 (hg19) VCF-style: chr16-81960763-T-C.
Other names: c.2494T>C (NM_002661.3); short protein forms F832L.
Identifiers: ClinVar variation 845657 (VCV000845657.11), dbSNP rs368530152, ClinGen allele CA8194292.